The following is an entry in ClinVar:

NM_020693.4(DSCAML1):c.5879C>A (p.Ala1960Asp)

Gene: DSCAML1 (DS cell adhesion molecule like 1; minus strand). Cytogenetic location: 11q23.3.
Variant type: single nucleotide variant.
Coding change: c.5879C>A on transcript NM_020693.4 (MANE Select); coding-DNA position 5879, C replaced by A.
Protein change: p.Ala1960Asp; replaces alanine 1960 with aspartic acid.
Molecular consequence: missense variant.
Genome position (GRCh38, 1-based): chr11:117,428,611, G>T on the plus strand (C>A on the coding strand, the complement: DSCAML1 is on the minus strand). VCF-style: chr11-117428611-G-T. GRCh37 (hg19) VCF-style: chr11-117299327-G-T.
Other names: short protein forms A1960D.
Identifiers: ClinVar variation 2072065 (VCV002072065.4), dbSNP rs546069251, ClinGen allele CA6295941.
Genomic context (GRCh38, chr11:117,428,611, plus strand): 5'-GGGGGGGCTGGCATGGCCAGAGTCCTCTGAGGTAAGGTGGCTGTGGAGGCGGCAGCGGGG[G>T]CCCCTGGGTGGGGAAGGCCCAAGGACTTGCTGGCAGGGTCCAGGGTCAGGTGGCGAGCCT-3'
Protein context (NP_065744.3, residues 1950-1970): SKSLGLPHPG[Ala1960Asp]PAAASTATLP

ClinVar aggregate classification (germline): Uncertain significance (1 of 4 stars; one submission).

Allele frequency attached by ClinVar (database versions not stated): 1000 Genomes Project 30x 0.00016; 1000 Genomes Project 0.00020.
gnomAD v4.1: 36 of 1,607,112 alleles (0.0022%); highest among the groups gnomAD compares: Non-Finnish European, 0.0023%; no homozygotes.

Submission:

Labcorp Genetics (formerly Invitae), Labcorp
Classification: Uncertain significance. Last evaluated: 2024-02-22. Review status: criteria provided, single submitter. Criteria: Invitae Variant Classification Sherloc (09022015). Collection method: clinical testing. Allele origin: germline.
Comment: This sequence change replaces alanine, which is neutral and non-polar, with aspartic acid, which is acidic and polar, at codon 2020 of the DSCAML1 protein (p.Ala2020Asp). This variant is present in population databases (rs546069251, gnomAD 0.005%). This variant has not been reported in the literature in individuals affected with DSCAML1-related conditions. ClinVar contains an entry for this variant (Variation ID: 2072065). An algorithm developed to predict the effect of missense changes on protein structure and function (PolyPhen-2) suggests that this variant is likely to be tolerated. In summary, the available evidence is currently insufficient to determine the role of this variant in disease. Therefore, it has been classified as a Variant of Uncertain Significance.